The following is an entry in ClinVar:

ClinVar aggregate classification (germline): Uncertain significance. Review status: criteria provided, multiple submitters, no conflicts (2 of 4 stars). 2 submissions from 2 submitters: Uncertain significance (2). Last evaluated 2025-12-09.

Conditions:
Cardiovascular phenotype. Identifiers: MedGen CN230736.
Capillary malformation-arteriovenous malformation syndrome. Also called: Capillary malformation-arteriovenous malformation. Identifiers: Orphanet 137667, MedGen C1842180, MONDO:0012016.

Allele frequency attached by ClinVar (database versions not stated): gnomAD 0.00001; TOPMed 0.00001.

Submissions (2):

Labcorp Genetics (formerly Invitae), Labcorp
Classification: Uncertain significance for Capillary malformation-arteriovenous malformation syndrome. Last evaluated: 2025-12-09. Review status: criteria provided, single submitter. Criteria: Invitae Variant Classification Sherloc (09022015). Collection method: clinical testing. Allele origin: germline.
Comment: This sequence change replaces valine, which is neutral and non-polar, with alanine, which is neutral and non-polar, at codon 737 of the RASA1 protein (p.Val737Ala). This variant is not present in population databases (gnomAD no frequency). This variant has not been reported in the literature in individuals affected with RASA1-related conditions. ClinVar contains an entry for this variant (Variation ID: 2966243). An algorithm developed to predict the effect of missense changes on protein structure and function (PolyPhen-2) suggests that this variant is likely to be tolerated. In summary, the available evidence is currently insufficient to determine the role of this variant in disease. Therefore, it has been classified as a Variant of Uncertain Significance.

Ambry Genetics
Classification: Uncertain significance for Cardiovascular phenotype. Last evaluated: 2025-06-09. Review status: criteria provided, single submitter. Criteria: Ambry Variant Classification Scheme 2023. Collection method: clinical testing. Allele origin: germline.
Comment: The p.V737A variant (also known as c.2210T>C), located in coding exon 17 of the RASA1 gene, results from a T to C substitution at nucleotide position 2210. The valine at codon 737 is replaced by alanine, an amino acid with similar properties. This amino acid position is conserved. In addition, this alteration is predicted to be tolerated by in silico analysis. Based on the available evidence, the clinical significance of this variant remains unclear.

NM_002890.3(RASA1):c.2210T>C (p.Val737Ala)

Genes: CCNH (cyclin H; minus strand), RASA1 (RAS p21 protein activator 1; plus strand). Cytogenetic location: 5q14.3.
Variant type: single nucleotide variant.
Coding change: c.2210T>C on transcript NM_002890.3 (MANE Select); coding-DNA position 2210, T replaced by C.
Protein change: p.Val737Ala; replaces valine 737 with alanine.
Molecular consequence: missense variant. On other transcripts: intron variant (1).
Genome position (GRCh38, 1-based): chr5:87,376,906, T>C. VCF-style: chr5-87376906-T-C. GRCh37 (hg19) VCF-style: chr5-86672723-T-C.
Other names: c.1679T>C, p.Val560Ala (NM_022650.3); c.933+18138A>G (NM_001364075.2); short protein forms V737A, V560A.
Identifiers: ClinVar variation 2966243 (VCV002966243.4), dbSNP rs1437519244, ClinGen allele CA360380139.
Genomic context (GRCh38, chr5:87,376,906, plus strand): 5'-CGTACTTTAAACAATCTTTTAAAATGTCATTTTAGCTTATACTGCAAAAGGAACTTCATG[T>C]AGTCTATGCTTTATCACATGTATGTGGACAAGACCGAACACTACTGGCCAGCATCCTACT-3'
Protein context (NP_002881.1, residues 727-747): KELILQKELH[Val737Ala]VYALSHVCGQ